The following is an entry in ClinVar:

ClinVar aggregate classification (germline): Likely benign (1 of 4 stars; one submission).

Allele frequency attached by ClinVar (database versions not stated): 1000 Genomes Project 0.00040; 1000 Genomes Project 30x 0.00062; TOPMed 0.00295; ESP Exome Variant Server 0.00309; ExAC 0.00339; gnomAD 0.00354; gnomAD exomes 0.00431.

Submission:

CeGaT Center for Human Genetics Tuebingen
Classification: Likely benign. Last evaluated: 2023-02-01. Review status: criteria provided, single submitter. Criteria: CeGaT Center For Human Genetics Tuebingen Variant Classification Criteria Version 2. Collection method: clinical testing. Allele origin: germline. Affected: yes. Observed: 1 variant allele.
Comment: ANKRD24: BS2

NM_001393985.1(ANKRD24):c.521T>C (p.Leu174Pro)

Gene: ANKRD24 (ankyrin repeat domain 24; plus strand). Cytogenetic location: 19p13.3.
Variant type: single nucleotide variant.
Coding change: c.521T>C on transcript NM_001393985.1 (MANE Select); coding-DNA position 521, T replaced by C.
Protein change: p.Leu174Pro; replaces leucine 174 with proline.
Molecular consequence: missense variant.
Genome position (GRCh38, 1-based): chr19:4,207,296, T>C. VCF-style: chr19-4207296-T-C. GRCh37 (hg19) VCF-style: chr19-4207293-T-C.
Other names: c.548T>C, p.Leu183Pro (NM_001393552.1); c.521T>C, p.Leu174Pro (NM_001393553.1, NM_133475.1); c.434T>C, p.Leu145Pro (NM_001393555.1); c.437T>C, p.Leu146Pro (NM_001393556.1); c.473T>C, p.Leu158Pro (NM_001393557.1); short protein forms L145P, L146P, L158P, L174P, L183P.
Identifiers: ClinVar variation 2649031 (VCV002649031.24), dbSNP rs199801260, ClinGen allele CA9092402.